The following is an entry in ClinVar:

ClinVar aggregate classification (germline): Uncertain significance (1 of 4 stars; one submission).

Submission:

Ambry Genetics
Classification: Uncertain significance. Last evaluated: 2024-09-04. Review status: criteria provided, single submitter. Criteria: Ambry Variant Classification Scheme 2023. Collection method: clinical testing. Allele origin: germline.
Comment: The p.L146R variant (also known as c.437T>G), located in coding exon 4 of the RRAS gene, results from a T to G substitution at nucleotide position 437. The leucine at codon 146 is replaced by arginine, an amino acid with dissimilar properties. This amino acid position is conserved. In addition, this alteration is predicted to be deleterious by in silico analysis. Based on the available evidence, the clinical significance of this variant remains unclear.

NM_006270.5(RRAS):c.437T>G (p.Leu146Arg)

Gene: RRAS (RAS related; minus strand). Cytogenetic location: 19q13.33.
Variant type: single nucleotide variant.
Coding change: c.437T>G on transcript NM_006270.5 (MANE Select); coding-DNA position 437, T replaced by G.
Protein change: p.Leu146Arg; replaces leucine 146 with arginine.
Molecular consequence: missense variant.
Genome position (GRCh38, 1-based): chr19:49,636,635, A>C on the plus strand (T>G on the coding strand, the complement: RRAS is on the minus strand). VCF-style: chr19-49636635-A-C. GRCh37 (hg19) VCF-style: chr19-50139892-A-C.
Other names: short protein forms L146R.
Identifiers: ClinVar variation 3435495 (VCV003435495.1).